The following is an entry in ClinVar:

ClinVar aggregate classification (germline): Likely benign (1 of 4 stars; one submission).

Submission:

CeGaT Center for Human Genetics Tuebingen
Classification: Likely benign. Last evaluated: 2022-12-01. Review status: criteria provided, single submitter. Criteria: CeGaT Center For Human Genetics Tuebingen Variant Classification Criteria Version 2. Collection method: clinical testing. Allele origin: germline. Affected: yes. Observed: 1 variant allele.
Comment: NBPF20: BP4, BP7

NM_001278267.1(NBPF20):c.-894+2957G>C

Gene: NBPF20 (NBPF member 20; minus strand). Cytogenetic location: 1q21.2.
Variant type: single nucleotide variant.
Coding change: c.-894+2957G>C on transcript NM_001278267.1; 2957 bases into the intron after 894 bases upstream of the start codon, G replaced by C.
Identifiers: ClinVar variation 2639139 (VCV002639139.19), dbSNP rs587618236, ClinGen allele CA1068378.